The following is an entry in ClinVar:

ClinVar aggregate classification (germline): Benign. Review status: criteria provided, multiple submitters, no conflicts (2 of 4 stars). 8 submissions from 8 submitters: Benign (6). 2 of the submissions do not count toward it. Last evaluated 2025-07-17.

Conditions:
Long QT syndrome (LQTS). Identifiers: MedGen C0023976, MeSH D008133, MONDO:0002442. Disease mechanism: loss of function. Inheritance: Various modes of inheritance.
Timothy syndrome (TS). Also called: LONG QT SYNDROME WITH SYNDACTYLY. Identifiers: Orphanet 65283, MedGen C1832916, MeSH C536962, MONDO:0010979, OMIM 601005.

Allele frequency attached by ClinVar (database versions not stated): 1000 Genomes Project 0.66913; 1000 Genomes Project 30x 0.67021; TOPMed 0.69172; gnomAD 0.70684 and 0.71300; ESP Exome Variant Server 0.72476; ExAC 0.77218; gnomAD exomes 0.77742 and 0.80531.
gnomAD v4.1: 1,270,046 of 1,596,264 alleles (80%); highest among the groups gnomAD compares: South Asian, 84%; 511,775 homozygotes.

Submissions (8):

Labcorp Genetics (formerly Invitae), Labcorp
Classification: Benign for Long QT syndrome. Last evaluated: 2025-07-17. Review status: criteria provided, single submitter. Criteria: Invitae Variant Classification Sherloc (09022015). Collection method: clinical testing. Allele origin: germline.

Blueprint Genetics
Classification: Benign. Last evaluated: 2024-11-27. Review status: criteria provided, single submitter. Criteria: ACMG Guidelines, 2015. Collection method: clinical testing. Allele origin: germline.

Genome-Nilou Lab
Classification: Benign for Timothy syndrome. Last evaluated: 2021-07-14. Review status: criteria provided, single submitter. Criteria: ACMG Guidelines, 2015. Collection method: clinical testing. Allele origin: germline. Affected: no.

Biesecker Lab/Clinical Genomics Section, National Institutes of Health
Classification: Benign. Last evaluated: 2013-06-24. Review status: criteria provided, single submitter. Criteria: Ng et al. (Circ Cardiovasc Genet. 2013). Collection method: research. Allele origin: unknown. Observed: 441 variant alleles. Study: ClinSeq.
Comment: The study set was not selected for affection status in relation to any cancer. Pathogenicity categories were based on literature curation. See Pubmed ID:23861362 for details.

Medical sequencing

GeneDx
Classification: Benign. Last evaluated: 2011-07-14. Review status: criteria provided, single submitter. Criteria: GeneDx Variant Classification (06012015). Collection method: clinical testing. Allele origin: germline. Affected: yes.
Comment: This variant is considered likely benign or benign based on one or more of the following criteria: it is a conservative change, it occurs at a poorly conserved position in the protein, it is predicted to be benign by multiple in silico algorithms, and/or has population frequency not consistent with disease.

Breakthrough Genomics
Classification: Benign. Review status: criteria provided, single submitter. Criteria: ACMG Guidelines, 2015. Collection method: not provided. Allele origin: germline. Inheritance: Autosomal dominant inheritance. Affected: yes.

Clinical Genetics, Academic Medical Center
Classification: Benign. Review status: no assertion criteria provided. Collection method: clinical testing. Allele origin: germline. Affected: yes. Study: VKGL Data-share Consensus. Not counted in ClinVar's aggregate classification.

Diagnostic Laboratory, Department of Genetics, University Medical Center Groningen
Classification: Benign. Review status: no assertion criteria provided. Collection method: clinical testing. Allele origin: germline. Affected: yes. Study: VKGL Data-share Consensus. Not counted in ClinVar's aggregate classification.

NM_000719.7(CACNA1C):c.5445-586C>T

Genes: CACNA1C (calcium voltage-gated channel subunit alpha1 C; plus strand), CACNA1C-AS1 (CACNA1C antisense RNA 1; minus strand). Cytogenetic location: 12p13.33.
Variant type: single nucleotide variant.
Coding change: c.5445-586C>T on transcript NM_000719.7 (MANE Select); 586 bases into the intron before coding-DNA position 5445, C replaced by T.
Molecular consequence: intron variant. On other transcripts: missense variant (3).
Genome position (GRCh38, 1-based): chr12:2,681,964, C>T. VCF-style: chr12-2681964-C-T. GRCh37 (hg19) VCF-style: chr12-2791130-C-T.
Other names: p.P1820L:CCG>CTG; c.5459C>T, p.Pro1820Leu (NM_001129830.3, NM_001167624.3); c.5603C>T, p.Pro1868Leu (NM_199460.4); c.5445-586C>T (NM_001167623.2, NM_001129840.2, NM_001129842.2 and 2 more transcripts); c.5625-586C>T (NM_001167625.2); c.5589-586C>T (NM_001129827.2); c.5505-586C>T (NM_001129832.2); c.5529-586C>T (NM_001129831.2); and 7 more; short protein forms P1820L, P1868L.
Identifiers: ClinVar variation 136638 (VCV000136638.9), dbSNP rs10848683, ClinGen allele CA289911.